The following is an entry in ClinVar:

ClinVar aggregate classification (germline): Uncertain significance (1 of 4 stars; one submission).

Conditions:
Fanconi anemia (FA). Also called: Fanconi's anemia. Identifiers: Orphanet 84, MedGen C0015625, MeSH D005199, MONDO:0019391.

Allele frequency attached by ClinVar (database versions not stated): gnomAD below 0.00001 and 0.00002; gnomAD exomes below 0.00001; TOPMed below 0.00001; ExAC 0.00001.
gnomAD v4.1: 15 of 1,614,062 alleles (0.00093%); highest among the groups gnomAD compares: South Asian, 0.012%; no homozygotes.

Submission:

Labcorp Genetics (formerly Invitae), Labcorp
Classification: Uncertain significance for Fanconi anemia. Last evaluated: 2022-06-10. Review status: criteria provided, single submitter. Criteria: Invitae Variant Classification Sherloc (09022015). Collection method: clinical testing. Allele origin: germline.
Comment: This sequence change replaces valine, which is neutral and non-polar, with leucine, which is neutral and non-polar, at codon 810 of the FANCI protein (p.Val810Leu). This variant is present in population databases (rs779973664, gnomAD 0.003%). This variant has not been reported in the literature in individuals affected with FANCI-related conditions. ClinVar contains an entry for this variant (Variation ID: 1034843). Algorithms developed to predict the effect of missense changes on protein structure and function (SIFT, PolyPhen-2, Align-GVGD) all suggest that this variant is likely to be tolerated. In summary, the available evidence is currently insufficient to determine the role of this variant in disease. Therefore, it has been classified as a Variant of Uncertain Significance.

NM_001113378.2(FANCI):c.2428G>T (p.Val810Leu)

Gene: FANCI (FA complementation group I; plus strand). Cytogenetic location: 15q26.1.
Variant type: single nucleotide variant.
Coding change: c.2428G>T on transcript NM_001113378.2 (MANE Select); coding-DNA position 2428, G replaced by T.
Protein change: p.Val810Leu; replaces valine 810 with leucine.
Molecular consequence: missense variant.
Genome position (GRCh38, 1-based): chr15:89,293,969, G>T. VCF-style: chr15-89293969-G-T. GRCh37 (hg19) VCF-style: chr15-89837200-G-T.
Other names: c.2149G>T, p.Val717Leu (NM_001376910.1); c.2428G>T, p.Val810Leu (NM_001376911.1, NM_018193.3); short protein forms V717L, V810L.
Identifiers: ClinVar variation 1034843 (VCV001034843.6), dbSNP rs779973664, ClinGen allele CA7723376.